The following is an entry in ClinVar:

ClinVar aggregate classification (germline): Uncertain significance (1 of 4 stars; one submission).

Submission:

GeneDx
Classification: Uncertain significance. Last evaluated: 2025-06-06. Review status: criteria provided, single submitter. Criteria: GeneDx Variant Classification Process June 2021. Collection method: clinical testing. Allele origin: germline. Affected: yes.
Comment: Not observed at significant frequency in large population cohorts (gnomAD); In silico analysis suggests that this missense variant does not alter protein structure/function; Has not been previously published as pathogenic or benign to our knowledge

NM_001148.6(ANK2):c.8761G>T (p.Asp2921Tyr)

Gene: ANK2 (ankyrin 2; plus strand). Cytogenetic location: 4q26.
Variant type: single nucleotide variant.
Coding change: c.8761G>T on transcript NM_001148.6 (MANE Select); coding-DNA position 8761, G replaced by T.
Protein change: p.Asp2921Tyr; replaces aspartic acid 2921 with tyrosine.
Molecular consequence: missense variant. On other transcripts: intron variant (68).
Genome position (GRCh38, 1-based): chr4:113,357,379, G>T. VCF-style: chr4-113357379-G-T. GRCh37 (hg19) VCF-style: chr4-114278535-G-T.
Other names: c.8527G>T, p.Asp2843Tyr (NM_001386142.1); c.5161G>T, p.Asp1721Tyr (NM_001386166.1); c.8902G>T, p.Asp2968Tyr (NM_001386174.1); c.8878G>T, p.Asp2960Tyr (NM_001386175.1); c.4412-3444G>T (NM_001386186.2, NM_001386148.2); c.4214-3444G>T (NM_001354269.3); c.4292-3444G>T (NM_001386187.2); c.4253-3444G>T (NM_001386147.1); and 35 more; short protein forms D1721Y, D2843Y, D2921Y, D2960Y, D2968Y.
Identifiers: ClinVar variation 4538097 (VCV004538097.1).